The following is an entry in ClinVar:

ClinVar aggregate classification (germline): Uncertain significance (1 of 4 stars; one submission).

Submission:

GeneDx
Classification: Uncertain significance. Last evaluated: 2024-06-20. Review status: criteria provided, single submitter. Criteria: GeneDx Variant Classification Process June 2021. Collection method: clinical testing. Allele origin: germline. Affected: yes.
Comment: Not observed at significant frequency in large population cohorts (gnomAD); In silico analysis indicates that this missense variant does not alter protein structure/function; Has not been previously published as pathogenic or benign to our knowledge

NM_057175.5(NAA15):c.2047T>A (p.Phe683Ile)

Gene: NAA15 (N-alpha-acetyltransferase 15, NatA auxiliary subunit; plus strand). Cytogenetic location: 4q31.1.
Variant type: single nucleotide variant.
Coding change: c.2047T>A on transcript NM_057175.5 (MANE Select); coding-DNA position 2047, T replaced by A.
Protein change: p.Phe683Ile; replaces phenylalanine 683 with isoleucine.
Molecular consequence: missense variant.
Genome position (GRCh38, 1-based): chr4:139,376,464, T>A. VCF-style: chr4-139376464-T-A. GRCh37 (hg19) VCF-style: chr4-140297618-T-A.
Other names: c.2047T>A, p.Phe683Ile (NM_001410842.1); short protein forms F683I.
Identifiers: ClinVar variation 3391799 (VCV003391799.1).